The following is an entry in ClinVar:

NM_000152.5(GAA):c.2302C>T (p.Pro768Ser)

Gene: GAA (alpha glucosidase; plus strand). Cytogenetic location: 17q25.3.
Variant type: single nucleotide variant.
Coding change: c.2302C>T on transcript NM_000152.5 (MANE Select); coding-DNA position 2302, C replaced by T.
Protein change: p.Pro768Ser; replaces proline 768 with serine.
Molecular consequence: missense variant.
Genome position (GRCh38, 1-based): chr17:80,117,080, C>T. VCF-style: chr17-80117080-C-T. GRCh37 (hg19) VCF-style: chr17-78090879-C-T.
Other names: c.2302C>T, p.Pro768Ser (NM_001079803.3, NM_001079804.3, NM_001406741.1 and 1 more transcripts); short protein forms P768S.
Identifiers: ClinVar variation 3692015 (VCV003692015.3).
Genomic context (GRCh38, chr17:80,117,080, plus strand): 5'-GAGGCCCTGCTCATCACCCCAGTGCTCCAGGCCGGGAAGGCCGAAGTGACTGGCTACTTC[C>T]CCTTGGGCACATGGTACGACCTGCAGACGGTGAGTCTGGGGACCCTAAGCCCTGGGGAGA-3'
Protein context (NP_000143.2, residues 758-778): AGKAEVTGYF[Pro768Ser]LGTWYDLQTV

ClinVar aggregate classification (germline): Uncertain significance. Review status: criteria provided, multiple submitters, no conflicts (2 of 4 stars). 2 submissions from 2 submitters: Uncertain significance (2). Last evaluated 2026-07-01.

Conditions:
Glycogen storage disease, type II (IOPD). Also called: Glycogen storage disease type 2; Acid maltase deficiency disease; Aglucosidase alfa; Deficiency of alpha-glucosidase; Deficiency of lysosomal alpha-glucosidase; POMPE DISEASE, INFANTILE-ONSET. Identifiers: Orphanet 365, MedGen C0017921, MONDO:0009290, OMIM 232300.

Submissions (2):

Genomenon, Inc
Classification: Uncertain significance for Glycogen storage disease, type II. Last evaluated: 2026-07-01. Review status: criteria provided, single submitter. Criteria: Genomenon Sequence Variant Interpretation Standards - Updated. Collection method: curation. Allele origin: germline. Affected: no.
Comment: GAA p.Pro768Ser (c.2302C>T) is a missense variant that changes the amino acid at codon 768 from Proline to Serine. This variant has been reported in the published literature (PMID:28196920). It is absent or not present at a significant frequency in gnomAD. In silico models predict that this variant is possibly or probably damaging. In conclusion, we classify GAA p.Pro768Ser (c.2302C>T) as a variant of uncertain significance.

Labcorp Genetics (formerly Invitae), Labcorp
Classification: Uncertain significance for Glycogen storage disease, type II. Last evaluated: 2024-02-22. Review status: criteria provided, single submitter. Criteria: Invitae Variant Classification Sherloc (09022015). Collection method: clinical testing. Allele origin: germline.
Comment: This sequence change replaces proline, which is neutral and non-polar, with serine, which is neutral and polar, at codon 768 of the GAA protein (p.Pro768Ser). This variant is not present in population databases (gnomAD no frequency). This variant has not been reported in the literature in individuals affected with GAA-related conditions. Advanced modeling of protein sequence and biophysical properties (such as structural, functional, and spatial information, amino acid conservation, physicochemical variation, residue mobility, and thermodynamic stability) performed at Invitae indicates that this missense variant is expected to disrupt GAA protein function with a positive predictive value of 95%. In summary, the available evidence is currently insufficient to determine the role of this variant in disease. Therefore, it has been classified as a Variant of Uncertain Significance.

Literature cited by the submitters: PubMed 28196920 (cited by Genomenon, Inc).